The following is an entry in ClinVar:

ClinVar aggregate classification (germline): Benign/Likely benign. Review status: criteria provided, multiple submitters, no conflicts (2 of 4 stars). 2 submissions from 2 submitters: Benign (1); Likely benign (1). Last evaluated 2026-05-05.

Conditions:
Colorectal cancer, hereditary nonpolyposis, type 7. Identifiers: Orphanet 144, MedGen C1858380, MONDO:0013725, OMIM 614385.

Submissions (2):

Myriad Genetics, Inc.
Classification: Benign for Colorectal cancer, hereditary nonpolyposis, type 7. Last evaluated: 2026-05-05. Review status: criteria provided, single submitter. Criteria: Myriad Autosomal Dominant, Autosomal Recessive and X-Linked Classification Criteria (2023). Collection method: clinical testing. Allele origin: unknown.
Comment: This variant is considered benign. This variant is a silent/synonymous amino acid change and it is not expected to impact splicing.

Ambry Genetics
Classification: Likely benign. Last evaluated: 2021-04-21. Review status: criteria provided, single submitter. Criteria: Ambry Variant Classification Scheme 2023. Collection method: clinical testing. Allele origin: germline.

NM_001040108.2(MLH3):c.3252T>C (p.Thr1084=)

Gene: MLH3 (mutL homolog 3; minus strand). Cytogenetic location: 14q24.3.
Variant type: single nucleotide variant.
Coding change: c.3252T>C on transcript NM_001040108.2 (MANE Select); coding-DNA position 3252, T replaced by C.
Protein change: p.Thr1084=; no amino-acid change (threonine 1084 retained).
Molecular consequence: synonymous variant.
Genome position (GRCh38, 1-based): chr14:75,046,404, A>G on the plus strand (T>C on the coding strand, the complement: MLH3 is on the minus strand). VCF-style: chr14-75046404-A-G. GRCh37 (hg19) VCF-style: chr14-75513107-A-G.
Other names: c.3252T>C, p.Thr1084= (NM_014381.3).
Identifiers: ClinVar variation 1729437 (VCV001729437.3), dbSNP rs1892222121, ClinGen allele CA487177186.
Genomic context (GRCh38, chr14:75,046,404, plus strand): 5'-GCATCTCATGCACATGAATACTACGTACTTACCATTCTCAAGTACAACATCCACAGCCAC[A>G]GTTGTCAGGTCTTTAGTACAAGCAGCCTGAATGTCCTCAGTTGGGGCAATGAATGTGCTG-3'
Protein context (NP_001035197.1, residues 1074-1094): IQAACTKDLT[Thr1084=]VAVDVVLENG